The following is an entry in ClinVar:

ClinVar aggregate classification (germline): Uncertain significance (1 of 4 stars; one submission).

Submission:

Labcorp Genetics (formerly Invitae), Labcorp
Classification: Uncertain significance. Last evaluated: 2022-11-08. Review status: criteria provided, single submitter. Criteria: Invitae Variant Classification Sherloc (09022015). Collection method: clinical testing. Allele origin: germline.
Comment: This variant has not been reported in the literature in individuals affected with RORB-related conditions. ClinVar contains an entry for this variant (Variation ID: 1493641). Algorithms developed to predict the effect of missense changes on protein structure and function are either unavailable or do not agree on the potential impact of this missense change (SIFT: "Tolerated"; PolyPhen-2: "Probably Damaging"; Align-GVGD: "Class C0"). In summary, the available evidence is currently insufficient to determine the role of this variant in disease. Therefore, it has been classified as a Variant of Uncertain Significance. This variant is not present in population databases (gnomAD no frequency). This sequence change replaces methionine, which is neutral and non-polar, with isoleucine, which is neutral and non-polar, at codon 307 of the RORB protein (p.Met307Ile).

NM_006914.4(RORB):c.921G>A (p.Met307Ile)

Gene: RORB (RAR related orphan receptor B; plus strand). Cytogenetic location: 9q21.13.
Variant type: single nucleotide variant.
Coding change: c.921G>A on transcript NM_006914.4 (MANE Select); coding-DNA position 921, G replaced by A.
Protein change: p.Met307Ile; replaces methionine 307 with isoleucine.
Molecular consequence: missense variant.
Genome position (GRCh38, 1-based): chr9:74,665,516, G>A. VCF-style: chr9-74665516-G-A. GRCh37 (hg19) VCF-style: chr9-77280432-G-A.
Other names: c.954G>A, p.Met318Ile (NM_001365023.1); short protein forms M307I, M318I.
Identifiers: ClinVar variation 1493641 (VCV001493641.8), dbSNP rs2118525969, ClinGen allele CA373771027.
Genomic context (GRCh38, chr9:74,665,516, plus strand): 5'-ATTTTATTTTTATTTTTATTTTTTACTCATAGGTTGCTTGGAAGTGGTTTTAGTGAGAAT[G>A]TGCCGTGCCTTCAACCCATTAAACAACACTGTTCTGTTTGAAGGAAAATATGGAGGAATG-3'
Protein context (NP_008845.2, residues 297-317): SGCLEVVLVR[Met307Ile]CRAFNPLNNT